The following is an entry in ClinVar:

ClinVar aggregate classification (germline): Likely benign (1 of 4 stars; one submission).

Submission:

Women's Health and Genetics/Laboratory Corporation of America, LabCorp
Classification: Likely benign. Last evaluated: 2024-05-16. Review status: criteria provided, single submitter. Criteria: LabCorp Variant Classification Summary - May 2015. Collection method: clinical testing. Allele origin: germline.
Comment: Variant summary: BRCA2 c.3942G>C (p.Lys1314Asn) results in a non-conservative amino acid change in the encoded protein sequence. Four of five in-silico tools predict a benign effect of the variant on protein function. The variant was absent in 221692 control chromosomes. The available data on variant occurrences in the general population are insufficient to allow any conclusion about variant significance. To our knowledge, no occurrence of c.3942G>C in individuals affected with Hereditary Breast And Ovarian Cancer Syndrome has been reported in the literature. At least one functional study reports experimental evidence evaluating an impact on protein function and showed no damaging effect of this variant on homology directed repair (HDR) activity (e.g. Guo_2023). HDR assays qualify as a recognized gold standard on the basis of updated guidance provided by the ClinGen Sequence Variant Interpretation (SVI) working group. The following publication has been ascertained in the context of this evaluation (PMID: 37731132). No submitters have cited clinical-significance assessments for this variant to ClinVar. Based on the evidence outlined above, the variant was classified as likely benign.

Literature cited by the submitters: PubMed 37731132.

NM_000059.4(BRCA2):c.3942G>C (p.Lys1314Asn)

Gene: BRCA2 (BRCA2 DNA repair associated; plus strand). Cytogenetic location: 13q13.1.
Variant type: single nucleotide variant.
Coding change: c.3942G>C on transcript NM_000059.4 (MANE Select); coding-DNA position 3942, G replaced by C.
Protein change: p.Lys1314Asn; replaces lysine 1314 with asparagine.
Molecular consequence: missense variant. On other transcripts: non-coding transcript variant (1), intron variant (2).
Genome position (GRCh38, 1-based): chr13:32,338,297, G>C. VCF-style: chr13-32338297-G-C. GRCh37 (hg19) VCF-style: chr13-32912434-G-C.
Other names: c.3942G>C, p.Lys1314Asn (NM_001406719.1, NM_001406720.1); c.1909+4910G>C (NM_001406721.1); c.425-6261G>C (NM_001406722.1); short protein forms K1314N.
Identifiers: ClinVar variation 3336564 (VCV003336564.1).
Genomic context (GRCh38, chr13:32,338,297, plus strand): 5'-ACAAAATAATATTGAAATGACTACTGGCACTTTTGTTGAAGAAATTACTGAAAATTACAA[G>C]AGAAATACTGAAAATGAAGATAACAAATATACTGCTGCCAGTAGAAATTCTCATAACTTA-3'
Protein context (NP_000050.3, residues 1304-1324): TFVEEITENY[Lys1314Asn]RNTENEDNKY